The following is an entry in ClinVar:

NM_021956.5(GRIK2):c.964C>G (p.Leu322Val)

Gene: GRIK2 (glutamate ionotropic receptor kainate type subunit 2; plus strand). Cytogenetic location: 6q16.3.
Variant type: single nucleotide variant.
Coding change: c.964C>G on transcript NM_021956.5 (MANE Select); coding-DNA position 964, C replaced by G.
Protein change: p.Leu322Val; replaces leucine 322 with valine.
Molecular consequence: missense variant.
Genome position (GRCh38, 1-based): chr6:101,799,660, C>G. VCF-style: chr6-101799660-C-G. GRCh37 (hg19) VCF-style: chr6-102247535-C-G.
Other names: c.964C>G, p.Leu322Val (NM_001166247.1, NM_175768.3); short protein forms L322V.
Identifiers: ClinVar variation 2629893 (VCV002629893.1), dbSNP rs2484054503, ClinGen allele CA365305399.

ClinVar aggregate classification (germline): Uncertain significance (1 of 4 stars; one submission).

Conditions:
GRIK2-related disorder. Also called: GRIK2-related condition.

Submission:

PreventionGenetics, part of Exact Sciences
Classification: Uncertain significance for GRIK2-related condition. Last evaluated: 2023-01-17. Review status: criteria provided, single submitter. Criteria: ACMG Guidelines, 2015. Collection method: clinical testing. Allele origin: germline.
Comment: The GRIK2 c.964C>G variant is predicted to result in the amino acid substitution p.Leu322Val. To our knowledge, this variant has not been reported in the literature or in a large population database, indicating this variant is rare. At this time, the clinical significance of this variant is uncertain due to the absence of conclusive functional and genetic evidence.